The following is an entry in ClinVar:

NM_001267550.2(TTN):c.2359A>G (p.Ile787Val)

Gene: TTN (titin; minus strand). Cytogenetic location: 2q31.2.
Variant type: single nucleotide variant.
Coding change: c.2359A>G on transcript NM_001267550.2 (MANE Select); coding-DNA position 2359, A replaced by G.
Protein change: p.Ile787Val; replaces isoleucine 787 with valine.
Molecular consequence: missense variant.
Genome position (GRCh38, 1-based): chr2:178,785,859, T>C on the plus strand (A>G on the coding strand, the complement: TTN is on the minus strand). VCF-style: chr2-178785859-T-C. GRCh37 (hg19) VCF-style: chr2-179650586-T-C.
Other names: c.2359A>G, p.Ile787Val (NM_133378.4, NM_001256850.1, NM_133379.5); c.2221A>G, p.Ile741Val (NM_003319.4, NM_133432.3, NM_133437.4); short protein forms I787V, I741V.
Identifiers: ClinVar variation 46794 (VCV000046794.5), dbSNP rs397517522, ClinGen allele CA139203.
Genomic context (GRCh38, chr2:178,785,859, plus strand): 5'-GGCTTGCTTTACCATGAACAAGGTGAAAAATCAGCAGGTATAGACTCACCTGTGATGATA[T>C]GTGCATTCCCTTTTGATCAGTAGTTTTGATATGAGTCTCAGAAGGAGCCTGGATTACTCT-3'
Protein context (NP_001254479.2, residues 777-797): IKTTDQKGMH[Ile787Val]SSQIKKTTDL

ClinVar aggregate classification (germline): Uncertain significance (1 of 4 stars; one submission).

Allele frequency attached by ClinVar (database versions not stated): gnomAD exomes below 0.00001; TOPMed below 0.00001.
gnomAD v4.1: 1 of 1,614,134 alleles (0.000062%); highest among the groups gnomAD compares: East Asian, 0.0022%; no homozygotes.

Submission:

Laboratory for Molecular Medicine, Mass General Brigham Personalized Medicine
Classification: Uncertain significance. Last evaluated: 2012-07-02. Review status: criteria provided, single submitter. Criteria: LMM Criteria. Collection method: clinical testing. Allele origin: germline. Observed: 2 variant alleles.
Comment: Variant classified as Uncertain Significance - Favor Benign. This variant has not been identifi ed in a very large and broad population by the NHLBI Exome Sequencing Project. This low frequency is consistent with a diseas e causing role, but insufficient to establish this with confidence. However, thi s amino acid is not well conserved in evolution and other species (chicken and f rog) carry the mutant amino acid (valine), suggesting that this change may be to lerated. Computational analyses (biochemical amino acid properties, AlignGVGD, P olyPhen2, and SIFT) do not provide strong support for or against an impact to th e protein. In summary, this variant is more likely benign, but additional inform ation is needed to fully assess its clinical significance.